The following is an entry in ClinVar:

ClinVar aggregate classification (germline): Uncertain significance (1 of 4 stars; one submission).

Submission:

GeneDx
Classification: Uncertain significance. Last evaluated: 2022-04-22. Review status: criteria provided, single submitter. Criteria: GeneDx Variant Classification Process June 2021. Collection method: clinical testing. Allele origin: germline. Affected: yes.
Comment: In silico analysis supports that this variant does not alter protein structure/function; Has not been previously published as pathogenic or benign to our knowledge

NM_001386298.1(CIC):c.7220_7227delinsGAGACATT (p.Ala2407Gly)

Gene: CIC (capicua transcriptional repressor; plus strand). Cytogenetic location: 19q13.2.
Variant type: Indel.
Coding change: c.7220_7227delinsGAGACATT on transcript NM_001386298.1 (MANE Select); coding-DNA positions 7220 to 7227, CAGACATC replaced by GAGACATT.
Protein change: p.Ala2407Gly; replaces alanine 2407 with glycine.
Molecular consequence: missense variant.
Genome position (GRCh38, 1-based): chr19:42,294,857-42,294,864, CAGACATC replaced by GAGACATT. VCF-style: chr19-42294857-CAGACATC-GAGACATT. GRCh37 (hg19) VCF-style: chr19-42799009-CAGACATC-GAGACATT.
Other names: c.7220_7227delinsGAGACATT, p.Ala2407Gly (NM_001304815.2); c.7217_7224delinsGAGACATT, p.Ala2406Gly (NM_001379480.1, NM_001379482.1); c.7217_7224delCAGACATCinsGAGACATT, p.Ala2406Gly (NM_001379483.1); c.4487_4494delinsGAGACATT, p.Ala1496Gly (NM_001379484.1); c.4484_4491delinsGAGACATT, p.Ala1495Gly (NM_001379485.1); c.4493_4500delinsGAGACATT, p.Ala1498Gly (NM_015125.5); short protein forms A1495G, A1496G, A1498G, A2406G, A2407G.
Identifiers: ClinVar variation 1712078 (VCV001712078.2), dbSNP rs2514101455, ClinGen allele CA2580097349.